The following is an entry in ClinVar:

NM_000450.2(SELE):c.975C>A (p.Phe325Leu)

Gene: SELE (selectin E; minus strand). Cytogenetic location: 1q24.2.
Variant type: single nucleotide variant.
Coding change: c.975C>A on transcript NM_000450.2 (MANE Select); coding-DNA position 975, C replaced by A.
Protein change: p.Phe325Leu; replaces phenylalanine 325 with leucine.
Molecular consequence: missense variant.
Genome position (GRCh38, 1-based): chr1:169,729,301, G>T on the plus strand (C>A on the coding strand, the complement: SELE is on the minus strand). VCF-style: chr1-169729301-G-T. GRCh37 (hg19) VCF-style: chr1-169698442-G-T.
Other names: short protein forms F325L.
Identifiers: ClinVar variation 626013 (VCV000626013.3), dbSNP rs79478039, ClinGen allele CA1236214.

ClinVar aggregate classification (germline): Uncertain significance. Review status: criteria provided, multiple submitters, no conflicts (2 of 4 stars). 2 submissions from 2 submitters: Uncertain significance (2). Last evaluated 2021-03-30.

Allele frequency attached by ClinVar (database versions not stated): 1000 Genomes Project 30x 0.00234; 1000 Genomes Project 0.00280; gnomAD 0.00316 and 0.00320; TOPMed 0.00322; ESP Exome Variant Server 0.00331; ExAC 0.00334; gnomAD exomes 0.00352 and 0.00401.
gnomAD v4.1: 6,367 of 1,614,124 alleles (0.39%); highest among the groups gnomAD compares: Middle Eastern, 0.71%; 33 homozygotes.

Submissions (2):

Center for Genomics, Ann and Robert H. Lurie Children's Hospital of Chicago
Classification: Uncertain significance. Last evaluated: 2021-03-30. Review status: criteria provided, single submitter. Criteria: ACMG Guidelines, 2015. Collection method: clinical testing. Allele origin: germline.
Comment: SELE NM_000450.2 exon 7 p.Phe325Leu (c.975C>A): This variant has not been reported in the literature and is present in 0.7% (77/10346) of Ashkenazi Jewish alleles, including 1 homozygote, in the Genome Aggregation Database. This variant amino acid Leucine (Leu) is present in several species, including multiple mammals, and it is not well conserved among evolutionarily distant species; this suggests that this variant may not impact the protein. Additional computational prediction tools do not suggest an impact. In summary, data on this variant is insufficient for disease classification. Therefore, the clinical significance of this variant is uncertain.

Breakthrough Genomics
Classification: Uncertain significance. Review status: criteria provided, single submitter. Criteria: ACMG Guidelines, 2015. Collection method: not provided. Allele origin: germline. Inheritance: Unknown mechanism. Affected: yes.